The following is an entry in ClinVar:

NM_001365999.1(SZT2):c.1306A>C (p.Asn436His)

Gene: SZT2 (SZT2 subunit of KICSTOR complex; plus strand). Cytogenetic location: 1p34.2.
Variant type: single nucleotide variant.
Coding change: c.1306A>C on transcript NM_001365999.1 (MANE Select); coding-DNA position 1306, A replaced by C.
Protein change: p.Asn436His; replaces asparagine 436 with histidine.
Molecular consequence: missense variant.
Genome position (GRCh38, 1-based): chr1:43,420,793, A>C. VCF-style: chr1-43420793-A-C. GRCh37 (hg19) VCF-style: chr1-43886464-A-C.
Other names: c.1306A>C, p.Asn436His (NM_015284.4); short protein forms N436H.
Identifiers: ClinVar variation 2130934 (VCV002130934.4), dbSNP rs2545802558, ClinGen allele CA340007246.
Genomic context (GRCh38, chr1:43,420,793, plus strand): 5'-TCCGCTTCTCCCTAAGGAGGGTCCCAATTGGAGGTAAAGCTGGTGCTGCTGTGGAAACAC[A>C]ACATGCGCATTGAGTATGTGGCTATGGCACCCTGGCCCCTGGAGCCTGAGGGCCCTCGAG-3'
Protein context (NP_001352928.1, residues 426-446): EVKLVLLWKH[Asn436His]MRIEYVAMAP

ClinVar aggregate classification (germline): Uncertain significance (1 of 4 stars; one submission).

Submission:

Labcorp Genetics (formerly Invitae), Labcorp
Classification: Uncertain significance. Last evaluated: 2022-04-26. Review status: criteria provided, single submitter. Criteria: Invitae Variant Classification Sherloc (09022015). Collection method: clinical testing. Allele origin: germline.
Comment: In summary, the available evidence is currently insufficient to determine the role of this variant in disease. Therefore, it has been classified as a Variant of Uncertain Significance. Algorithms developed to predict the effect of missense changes on protein structure and function are either unavailable or do not agree on the potential impact of this missense change (SIFT: "Tolerated"; PolyPhen-2: "Probably Damaging"; Align-GVGD: "Class C0"). This variant has not been reported in the literature in individuals affected with SZT2-related conditions. This variant is not present in population databases (gnomAD no frequency). This sequence change replaces asparagine, which is neutral and polar, with histidine, which is basic and polar, at codon 436 of the SZT2 protein (p.Asn436His).